The following is an entry in ClinVar:

NM_001845.6(COL4A1):c.2164C>G (p.Pro722Ala)

Gene: COL4A1 (collagen type IV alpha 1 chain; minus strand). Cytogenetic location: 13q34.
Variant type: single nucleotide variant.
Coding change: c.2164C>G on transcript NM_001845.6 (MANE Select); coding-DNA position 2164, C replaced by G.
Protein change: p.Pro722Ala; replaces proline 722 with alanine.
Molecular consequence: missense variant.
Genome position (GRCh38, 1-based): chr13:110,181,321, G>C on the plus strand (C>G on the coding strand, the complement: COL4A1 is on the minus strand). VCF-style: chr13-110181321-G-C. GRCh37 (hg19) VCF-style: chr13-110833668-G-C.
Other names: short protein forms P722A.
Identifiers: ClinVar variation 2571856 (VCV002571856.1), dbSNP rs768431573, ClinGen allele CA7047685.

ClinVar aggregate classification (germline): Uncertain significance (1 of 4 stars; one submission).

Allele frequency attached by ClinVar (database versions not stated): gnomAD exomes below 0.00001; ExAC 0.00001; TOPMed 0.00001; gnomAD 0.00002.
gnomAD v4.1: 5 of 1,613,648 alleles (0.00031%); highest among the groups gnomAD compares: African/African-American, 0.0067%; no homozygotes.

Submission:

GeneDx
Classification: Uncertain significance. Last evaluated: 2023-01-04. Review status: criteria provided, single submitter. Criteria: GeneDx Variant Classification Process June 2021. Collection method: clinical testing. Allele origin: germline. Affected: yes.
Comment: In silico analysis supports that this missense variant has a deleterious effect on protein structure/function; Has not been previously published as pathogenic or benign to our knowledge